The following is an entry in ClinVar:

ClinVar aggregate classification (germline): Uncertain significance. Review status: criteria provided, multiple submitters, no conflicts (2 of 4 stars). 2 submissions from 2 submitters: Uncertain significance (2). Last evaluated 2026-05-18.

Allele frequency attached by ClinVar (database versions not stated): TOPMed 0.00002; gnomAD 0.00003; ExAC 0.00004; gnomAD exomes 0.00004; 1000 Genomes Project 0.00040; 1000 Genomes Project 30x 0.00047.
gnomAD v4.1: 64 of 1,613,922 alleles (0.004%); highest among the groups gnomAD compares: Admixed American, 0.02%; no homozygotes.

Submissions (2):

GeneDx
Classification: Uncertain significance. Last evaluated: 2026-05-18. Review status: criteria provided, single submitter. Criteria: GeneDx Variant Classification Process June 2021. Collection method: clinical testing. Allele origin: germline.
Comment: In silico analysis supports that this missense variant has a deleterious effect on protein structure/function; Has not been previously published as pathogenic or benign to our knowledge

Labcorp Genetics (formerly Invitae), Labcorp
Classification: Uncertain significance. Last evaluated: 2025-07-26. Review status: criteria provided, single submitter. Criteria: Invitae Variant Classification Sherloc (09022015). Collection method: clinical testing. Allele origin: germline.
Comment: This sequence change replaces arginine, which is basic and polar, with cysteine, which is neutral and slightly polar, at codon 2744 of the LAMA1 protein (p.Arg2744Cys). This variant is present in population databases (rs185076723, gnomAD 0.006%). This variant has not been reported in the literature in individuals affected with LAMA1-related conditions. ClinVar contains an entry for this variant (Variation ID: 1914578). Invitae Evidence Modeling of protein sequence and biophysical properties (such as structural, functional, and spatial information, amino acid conservation, physicochemical variation, residue mobility, and thermodynamic stability) indicates that this missense variant is expected to disrupt LAMA1 protein function with a positive predictive value of 80%. In summary, the available evidence is currently insufficient to determine the role of this variant in disease. Therefore, it has been classified as a Variant of Uncertain Significance.

NM_005559.4(LAMA1):c.8230C>T (p.Arg2744Cys)

Gene: LAMA1 (laminin subunit alpha 1; minus strand). Cytogenetic location: 18p11.31.
Variant type: single nucleotide variant.
Coding change: c.8230C>T on transcript NM_005559.4 (MANE Select); coding-DNA position 8230, C replaced by T.
Protein change: p.Arg2744Cys; replaces arginine 2744 with cysteine.
Molecular consequence: missense variant.
Genome position (GRCh38, 1-based): chr18:6,950,949, G>A on the plus strand (C>T on the coding strand, the complement: LAMA1 is on the minus strand). VCF-style: chr18-6950949-G-A. GRCh37 (hg19) VCF-style: chr18-6950948-G-A.
Other names: c.8230C>T (NM_005559.3); short protein forms R2744C.
Identifiers: ClinVar variation 1914578 (VCV001914578.7), dbSNP rs185076723, ClinGen allele CA8880539.
Genomic context (GRCh38, chr18:6,950,949, plus strand): 5'-CGTAGTCTGCTTGGTTCTGATGAGCCATGTAGTAAATCAGGCCGCTGGAGGCGAACGTGC[G>A]GATGCTTAGCTCAACCGAGAGCCTGGGGAAAACAAGTGCTCAGCGTTGAGAAAGGAAACT-3'
Protein context (NP_005550.2, residues 2734-2754): RKKLSVELSI[Arg2744Cys]TFASSGLIYY